The following is an entry in ClinVar:

NM_182961.4(SYNE1):c.14423C>G (p.Thr4808Arg)

Gene: SYNE1 (spectrin repeat containing nuclear envelope protein 1; minus strand). Cytogenetic location: 6q25.2.
Variant type: single nucleotide variant.
Coding change: c.14423C>G on transcript NM_182961.4 (MANE Select); coding-DNA position 14423, C replaced by G.
Protein change: p.Thr4808Arg; replaces threonine 4808 with arginine.
Molecular consequence: missense variant.
Genome position (GRCh38, 1-based): chr6:152,330,262, G>C on the plus strand (C>G on the coding strand, the complement: SYNE1 is on the minus strand). VCF-style: chr6-152330262-G-C. GRCh37 (hg19) VCF-style: chr6-152651397-G-C.
Other names: c.14423C>G (NM_182961.2); c.14210C>G, p.Thr4737Arg (NM_033071.5); c.14210C>G (NM_033071.3); short protein forms T4737R, T4808R.
Identifiers: ClinVar variation 501627 (VCV000501627.8), dbSNP rs373040273, ClinGen allele CA4056009.

ClinVar aggregate classification (germline): Uncertain significance. Review status: criteria provided, multiple submitters, no conflicts (2 of 4 stars). 4 submissions from 4 submitters: Uncertain significance (4). Last evaluated 2024-10-24.

Allele frequency attached by ClinVar (database versions not stated): TOPMed 0.00002.
gnomAD v4.1: 73 of 1,614,014 alleles (0.0045%); highest among the groups gnomAD compares: Non-Finnish European, 0.0059%; no homozygotes.

Submissions (4):

Blueprint Genetics
Classification: Uncertain significance. Last evaluated: 2024-10-24. Review status: criteria provided, single submitter. Criteria: ACMG Guidelines, 2015. Collection method: clinical testing. Allele origin: germline.

Revvity Omics, Revvity
Classification: Uncertain significance. Last evaluated: 2023-12-11. Review status: criteria provided, single submitter. Criteria: ACMG Guidelines, 2015. Collection method: clinical testing. Allele origin: germline.

Athena Diagnostics
Classification: Uncertain significance. Last evaluated: 2023-06-12. Review status: criteria provided, single submitter. Criteria: Athena Diagnostics Criteria. Collection method: clinical testing. Allele origin: unknown.
Comment: Available data are insufficient to determine the clinical significance of the variant at this time. The frequency of this variant in the general population is uninformative in assessment of its pathogenicity. Computational tools predict that this variant is not damaging.

Eurofins Ntd Llc (ga)
Classification: Uncertain significance. Last evaluated: 2017-04-28. Review status: criteria provided, single submitter. Criteria: EGL Classification Definitions 2015. Collection method: clinical testing. Allele origin: germline. Observed: 1 variant allele, 1 heterozygote.